The following is an entry in ClinVar:

ClinVar aggregate classification (germline): Uncertain significance (1 of 4 stars; one submission).

Conditions:
Cardiovascular phenotype. Identifiers: MedGen CN230736.

Submission:

Molecular Diagnostic Laboratory for Inherited Cardiovascular Disease, Montreal Heart Institute
Classification: Uncertain significance for Cardiovascular phenotype. Last evaluated: 2026-09-21. Review status: criteria provided, single submitter. Criteria: ACMG Guidelines, 2015. Collection method: clinical testing. Allele origin: germline. Affected: yes.
Comment: PVS1_supp, PM2

NM_001267550.2(TTN):c.40787A>T (p.Glu13596Val)

Gene: TTN (titin; minus strand). Cytogenetic location: 2q31.2.
Variant type: single nucleotide variant.
Coding change: c.40787A>T on transcript NM_001267550.2 (MANE Select); coding-DNA position 40787, A replaced by T.
Protein change: p.Glu13596Val; replaces glutamic acid 13596 with valine.
Molecular consequence: missense variant.
Genome position (GRCh38, 1-based): chr2:178,639,788, T>A on the plus strand (A>T on the coding strand, the complement: TTN is on the minus strand). VCF-style: chr2-178639788-T-A. GRCh37 (hg19) VCF-style: chr2-179504515-T-A.
Other names: c.35864A>T, p.Glu11955Val (NM_001256850.1); c.13592A>T, p.Glu4531Val (NM_003319.4); c.33083A>T, p.Glu11028Val (NM_133378.4); c.13967A>T, p.Glu4656Val (NM_133432.3); c.14168A>T, p.Glu4723Val (NM_133437.4); short protein forms E11028V, E11955V, E13596V, E4531V, E4656V, E4723V.
Identifiers: ClinVar variation 5037780 (VCV005037780.1).